The following is an entry in ClinVar:

ClinVar aggregate classification (germline): Uncertain significance (1 of 4 stars; one submission).

Allele frequency attached by ClinVar (database versions not stated): gnomAD exomes 0.00001; TOPMed 0.00001; ExAC 0.00002.
gnomAD v4.1: 16 of 1,614,150 alleles (0.00099%); highest among the groups gnomAD compares: East Asian, 0.0045%; no homozygotes.

Submission:

Labcorp Genetics (formerly Invitae), Labcorp
Classification: Uncertain significance. Last evaluated: 2022-08-14. Review status: criteria provided, single submitter. Criteria: Invitae Variant Classification Sherloc (09022015). Collection method: clinical testing. Allele origin: germline.
Comment: This sequence change replaces glycine, which is neutral and non-polar, with arginine, which is basic and polar, at codon 610 of the DEF6 protein (p.Gly610Arg). This variant is present in population databases (rs767414869, gnomAD 0.003%). This variant has not been reported in the literature in individuals affected with DEF6-related conditions. Algorithms developed to predict the effect of missense changes on protein structure and function are either unavailable or do not agree on the potential impact of this missense change (SIFT: "Tolerated"; PolyPhen-2: "Not Available"; Align-GVGD: "Class C0"). In summary, the available evidence is currently insufficient to determine the role of this variant in disease. Therefore, it has been classified as a Variant of Uncertain Significance.

NM_022047.4(DEF6):c.1828G>A (p.Gly610Arg)

Gene: DEF6 (DEF6 guanine nucleotide exchange factor; plus strand). Cytogenetic location: 6p21.31.
Variant type: single nucleotide variant.
Coding change: c.1828G>A on transcript NM_022047.4 (MANE Select); coding-DNA position 1828, G replaced by A.
Protein change: p.Gly610Arg; replaces glycine 610 with arginine.
Molecular consequence: missense variant.
Genome position (GRCh38, 1-based): chr6:35,321,342, G>A. VCF-style: chr6-35321342-G-A. GRCh37 (hg19) VCF-style: chr6-35289119-G-A.
Other names: short protein forms G610R.
Identifiers: ClinVar variation 1915473 (VCV001915473.2), dbSNP rs767414869, ClinGen allele CA3771024.
Genomic context (GRCh38, chr6:35,321,342, plus strand): 5'-TCCCAGGGCAACAGGACCCCCTCGCCCAACAGCAATGAGCAGCAGAAGTCCCTCAATGGT[G>A]GGGATGAGGCTCCTGCCCCGGCTTCCACCCCTCAGGAAGATAAACTGGATCCAGCACCAG-3'
Protein context (NP_071330.3, residues 600-620): SNEQQKSLNG[Gly610Arg]DEAPAPASTP